The following is an entry in ClinVar:

NM_004304.5(ALK):c.844G>A (p.Asp282Asn)

Gene: ALK (ALK receptor tyrosine kinase; minus strand). Cytogenetic location: 2p23.2.
Variant type: single nucleotide variant.
Coding change: c.844G>A on transcript NM_004304.5 (MANE Select); coding-DNA position 844, G replaced by A.
Protein change: p.Asp282Asn; replaces aspartic acid 282 with asparagine.
Molecular consequence: missense variant.
Genome position (GRCh38, 1-based): chr2:29,694,958, C>T on the plus strand (G>A on the coding strand, the complement: ALK is on the minus strand). VCF-style: chr2-29694958-C-T. GRCh37 (hg19) VCF-style: chr2-29917824-C-T.
Other names: c.844G>A (NM_004304.4); short protein forms D282N.
Identifiers: ClinVar variation 1006044 (VCV001006044.9), dbSNP rs1678510612, ClinGen allele CA346587030.

ClinVar aggregate classification (germline): Uncertain significance. Review status: criteria provided, multiple submitters, no conflicts (2 of 4 stars). 2 submissions from 2 submitters: Uncertain significance (2). Last evaluated 2025-05-13.

Conditions:
Neuroblastoma, susceptibility to, 3. Also called: ALK-Related Neuroblastic Tumor Susceptibility. Identifiers: Orphanet 635, MedGen C2751681, MONDO:0013083, OMIM 613014.
Hereditary cancer-predisposing syndrome. Also called: Hereditary neoplastic syndrome; Neoplastic Syndromes, Hereditary; Tumor predisposition; Hereditary Cancer Syndrome. Identifiers: Orphanet 140162, MedGen C0027672, MeSH D009386, MONDO:0015356.

Submissions (2):

Labcorp Genetics (formerly Invitae), Labcorp
Classification: Uncertain significance for Neuroblastoma, susceptibility to, 3. Last evaluated: 2025-05-13. Review status: criteria provided, single submitter. Criteria: Invitae Variant Classification Sherloc (09022015). Collection method: clinical testing. Allele origin: germline.
Comment: This sequence change replaces aspartic acid, which is acidic and polar, with asparagine, which is neutral and polar, at codon 282 of the ALK protein (p.Asp282Asn). This variant is not present in population databases (gnomAD no frequency). This variant has not been reported in the literature in individuals affected with ALK-related conditions. ClinVar contains an entry for this variant (Variation ID: 1006044). An algorithm developed to predict the effect of missense changes on protein structure and function outputs the following: PolyPhen-2: "Benign". The asparagine amino acid residue is found in multiple mammalian species, which suggests that this missense change does not adversely affect protein function. In summary, the available evidence is currently insufficient to determine the role of this variant in disease. Therefore, it has been classified as a Variant of Uncertain Significance.

Ambry Genetics
Classification: Uncertain significance for Hereditary cancer-predisposing syndrome. Last evaluated: 2024-07-15. Review status: criteria provided, single submitter. Criteria: Ambry Variant Classification Scheme 2023. Collection method: clinical testing. Allele origin: germline.
Comment: The p.D282N variant (also known as c.844G>A), located in coding exon 3 of the ALK gene, results from a G to A substitution at nucleotide position 844. The aspartic acid at codon 282 is replaced by asparagine, an amino acid with highly similar properties. This amino acid position is conserved. In addition, this alteration is predicted to be tolerated by in silico analysis. Based on the available evidence, the clinical significance of this variant remains unclear.